The following is an entry in ClinVar:

ClinVar aggregate classification (germline): Conflicting classifications of pathogenicity. Review status: criteria provided, conflicting classifications (1 of 4 stars). 4 submissions from 4 submitters: Uncertain significance (1); Benign (1); Likely benign (1). 1 of the submissions does not count toward it. Last evaluated 2025-11-24.

Conditions:
Ovarian cancer. Also called: OVARIAN CANCER, SOMATIC. Identifiers: Orphanet 213500, MedGen C1140680, MONDO:0008170, OMIM 167000.
Neuroblastoma, susceptibility to, 3. Also called: ALK-Related Neuroblastic Tumor Susceptibility. Identifiers: Orphanet 635, MedGen C2751681, MONDO:0013083, OMIM 613014.
Hereditary cancer-predisposing syndrome. Also called: Neoplastic Syndromes, Hereditary; Hereditary neoplastic syndrome; Hereditary Cancer Syndrome; Tumor predisposition. Identifiers: Orphanet 140162, MedGen C0027672, MeSH D009386, MONDO:0015356.
ALK-related disorder. Also called: ALK-related condition.

Allele frequency attached by ClinVar (database versions not stated): TOPMed below 0.00001; ExAC 0.00002; gnomAD exomes 0.00002.
gnomAD v4.1: 16 of 1,614,080 alleles (0.00099%); highest among the groups gnomAD compares: South Asian, 0.0022%; no homozygotes.

Submissions (4):

Labcorp Genetics (formerly Invitae), Labcorp
Classification: Uncertain significance for Neuroblastoma, susceptibility to, 3. Last evaluated: 2025-11-24. Review status: criteria provided, single submitter. Criteria: Invitae Variant Classification Sherloc (09022015). Collection method: clinical testing. Allele origin: germline.
Comment: This sequence change replaces alanine, which is neutral and non-polar, with threonine, which is neutral and polar, at codon 613 of the ALK protein (p.Ala613Thr). This variant is present in population databases (rs61744521, gnomAD 0.003%). This variant has not been reported in the literature in individuals affected with ALK-related conditions. ClinVar contains an entry for this variant (Variation ID: 654949). An algorithm developed to predict the effect of missense changes on protein structure and function outputs the following: PolyPhen-2: "Benign". The threonine amino acid residue is found in multiple mammalian species, which suggests that this missense change does not adversely affect protein function. In summary, the available evidence is currently insufficient to determine the role of this variant in disease. Therefore, it has been classified as a Variant of Uncertain Significance.

Ambry Genetics
Classification: Likely benign for Hereditary cancer-predisposing syndrome. Last evaluated: 2025-03-11. Review status: criteria provided, single submitter. Criteria: Ambry Variant Classification Scheme 2023. Collection method: clinical testing. Allele origin: germline.

Laboratory of Molecular Epidemiology of Birth Defects, West China Second University Hospital, Sichuan University
Classification: Benign for Ovarian cancer. Last evaluated: 2022-01-01. Review status: criteria provided, single submitter. Criteria: ACMG Guidelines, 2015. Collection method: clinical testing. Allele origin: germline. Affected: yes.

PreventionGenetics, part of Exact Sciences
Classification: Uncertain significance for ALK-related condition. Last evaluated: 2024-08-16. Review status: no assertion criteria provided. Collection method: clinical testing. Allele origin: germline. Not counted in ClinVar's aggregate classification.
Comment: The ALK c.1837G>A variant is predicted to result in the amino acid substitution p.Ala613Thr. To our knowledge, this variant has not been reported in the literature. This variant is reported in 0.0033% of alleles in individuals of South Asian descent in gnomAD and has conflicting interpretations regarding its pathogenicity in ClinVar, ranging from uncertain significance to benign. At this time, the clinical significance of this variant is uncertain due to the absence of conclusive functional and genetic evidence.

NM_004304.5(ALK):c.1837G>A (p.Ala613Thr)

Gene: ALK (ALK receptor tyrosine kinase; minus strand). Cytogenetic location: 2p23.2.
Variant type: single nucleotide variant.
Coding change: c.1837G>A on transcript NM_004304.5 (MANE Select); coding-DNA position 1837, G replaced by A.
Protein change: p.Ala613Thr; replaces alanine 613 with threonine.
Molecular consequence: missense variant.
Genome position (GRCh38, 1-based): chr2:29,275,477, C>T on the plus strand (G>A on the coding strand, the complement: ALK is on the minus strand). VCF-style: chr2-29275477-C-T. GRCh37 (hg19) VCF-style: chr2-29498343-C-T.
Other names: short protein forms A613T.
Identifiers: ClinVar variation 654949 (VCV000654949.12), dbSNP rs61744521, ClinGen allele CA1594509.